The following is an entry in ClinVar:

ClinVar aggregate classification (germline): Uncertain significance (1 of 4 stars; one submission).

Conditions:
MSL3-related disorder. Also called: MSL3-related condition.

Submission:

PreventionGenetics, part of Exact Sciences
Classification: Uncertain significance for MSL3-related condition. Last evaluated: 2023-02-22. Review status: criteria provided, single submitter. Criteria: ACMG Guidelines, 2015. Collection method: clinical testing. Allele origin: germline.
Comment: The MSL3 c.1197_1199delTTC variant is predicted to result in an in-frame deletion (p.Ser400del). To our knowledge, this variant has not been reported in the literature or in a large population database, indicating this variant is rare. At this time, the clinical significance of this variant is uncertain due to the absence of conclusive functional and genetic evidence.

NM_078629.4(MSL3):c.1197_1199del (p.Ser400del)

Gene: MSL3 (MSL complex subunit 3; plus strand). Cytogenetic location: Xp22.2.
Variant type: Deletion.
Coding change: c.1197_1199del on transcript NM_078629.4 (MANE Select); coding-DNA positions 1197 to 1199, 3 bases deleted (TTC; older notation c.1197_1199delTTC).
Protein change: p.Ser400del; deletes serine 400.
Molecular consequence: inframe deletion.
Genome position (GRCh38, 1-based): chrX:11,768,598-11,768,600, TTC deleted; deleting any 3 consecutive bases within chrX:11,768,596-11,768,600 gives the same sequence; the c. name uses the placement nearest the transcript's 3' end. VCF-style (leftmost placement, unchanged base first): chrX-11768595-ATCT-A. GRCh37 (hg19) VCF-style: chrX-11786714-ATCT-A.
Other names: c.1161_1163del, p.Ser388del (NM_001193270.2); c.750_752del, p.Ser251del (NM_001282174.1); c.699_701del, p.Ser234del (NM_006800.4); short protein forms S234del, S251del, S388del, S400del.
Identifiers: ClinVar variation 2630543 (VCV002630543.1), dbSNP rs2053205905, ClinGen allele CA1131074249.